The following is an entry in ClinVar:

NM_170606.3(KMT2C):c.9455A>T (p.Asp3152Val)

Gene: KMT2C (lysine methyltransferase 2C; minus strand). Cytogenetic location: 7q36.1.
Variant type: single nucleotide variant.
Coding change: c.9455A>T on transcript NM_170606.3 (MANE Select); coding-DNA position 9455, A replaced by T.
Protein change: p.Asp3152Val; replaces aspartic acid 3152 with valine.
Molecular consequence: missense variant.
Genome position (GRCh38, 1-based): chr7:152,169,248, T>A on the plus strand (A>T on the coding strand, the complement: KMT2C is on the minus strand). VCF-style: chr7-152169248-T-A. GRCh37 (hg19) VCF-style: chr7-151866333-T-A.
Other names: short protein forms D3152V.
Identifiers: ClinVar variation 3906567 (VCV003906567.1).
Genomic context (GRCh38, chr7:152,169,248, plus strand): 5'-ACAAAGCCTGGACCAAAATTTGGAGGATTAGGCCTAGAAATCTGATGTGTTATACTGCCA[T>A]CCTAAAATAAGTAAAATTTACAAATATGTTTATTCCACATTTCAGTTAAAGGGGGGAAAA-3'
Protein context (NP_733751.2, residues 3142-3162): QNLGPQAIPQ[Asp3152Val]GSITHQISRP

ClinVar aggregate classification (germline): Uncertain significance (1 of 4 stars; one submission).

Submission:

GeneDx
Classification: Uncertain significance. Last evaluated: 2024-12-19. Review status: criteria provided, single submitter. Criteria: GeneDx Variant Classification Process June 2021. Collection method: clinical testing. Allele origin: germline. Affected: yes.
Comment: Not observed at significant frequency in large population cohorts (gnomAD); In silico analysis supports that this missense variant has a deleterious effect on protein structure/function; Has not been previously published as pathogenic or benign to our knowledge